The following is an entry in ClinVar:

NM_016034.5(MRPS2):c.472A>G (p.Met158Val)

Genes: MRPS2 (mitochondrial ribosomal protein S2; plus strand), LOC101928525 (uncharacterized LOC101928525; minus strand). Cytogenetic location: 9q34.3.
Variant type: single nucleotide variant.
Coding change: c.472A>G on transcript NM_016034.5 (MANE Select); coding-DNA position 472, A replaced by G.
Protein change: p.Met158Val; replaces methionine 158 with valine.
Molecular consequence: missense variant. On other transcripts: non-coding transcript variant (4).
Genome position (GRCh38, 1-based): chr9:135,503,714, A>G. VCF-style: chr9-135503714-A-G. GRCh37 (hg19) VCF-style: chr9-138395560-A-G.
Other names: c.472A>G, p.Met158Val (NM_001371401.1); c.472A>G (NM_016034.4); short protein forms M158V.
Identifiers: ClinVar variation 2043677 (VCV002043677.6), dbSNP rs35293407, ClinGen allele CA5323951.

ClinVar aggregate classification (germline): Benign. Review status: criteria provided, single submitter (1 of 4 stars). 2 submissions from 2 submitters: Benign (1). 1 of the submissions does not count toward it. Last evaluated 2025-12-23.

Conditions:
MRPS2-related disorder. Also called: MRPS2-related condition.

Allele frequency attached by ClinVar (database versions not stated): gnomAD exomes 0.00061; ExAC 0.00186; 1000 Genomes Project 0.00499; 1000 Genomes Project 30x 0.00531; gnomAD 0.00577; TOPMed 0.00672; ESP Exome Variant Server 0.00753.

Submissions (2):

Labcorp Genetics (formerly Invitae), Labcorp
Classification: Benign. Last evaluated: 2025-12-23. Review status: criteria provided, single submitter. Criteria: Invitae Variant Classification Sherloc (09022015). Collection method: clinical testing. Allele origin: germline.

PreventionGenetics, part of Exact Sciences
Classification: Benign for MRPS2-related condition. Last evaluated: 2019-08-20. Review status: no assertion criteria provided. Collection method: clinical testing. Allele origin: germline. Not counted in ClinVar's aggregate classification.
Comment: This variant is classified as benign based on ACMG/AMP sequence variant interpretation guidelines (Richards et al. 2015 PMID: 25741868, with internal and published modifications).